The following is an entry in ClinVar:

NM_012123.4(MTO1):c.535+52G>A

Gene: MTO1 (mitochondrial tRNA translation optimization 1; plus strand). Cytogenetic location: 6q13.
Variant type: single nucleotide variant.
Coding change: c.535+52G>A on transcript NM_012123.4 (MANE Select); 52 bases into the intron after coding-DNA position 535, G replaced by A.
Molecular consequence: intron variant.
Genome position (GRCh38, 1-based): chr6:73,466,658, G>A. VCF-style: chr6-73466658-G-A. GRCh37 (hg19) VCF-style: chr6-74176381-G-A.
Other names: c.535+52G>A (NM_133645.3, NM_001123226.2).
Identifiers: ClinVar variation 675930 (VCV000675930.2), dbSNP rs80102622, ClinGen allele CA3889375.

ClinVar aggregate classification (germline): Likely benign. Review status: criteria provided, multiple submitters, no conflicts (2 of 4 stars). 2 submissions from 2 submitters: Likely benign (2). Last evaluated 2018-06-14.

Allele frequency attached by ClinVar (database versions not stated): 1000 Genomes Project 0.00998; 1000 Genomes Project 30x 0.01124; TOPMed 0.01424; ExAC 0.01430; gnomAD exomes 0.01435 and 0.02140; ESP Exome Variant Server 0.01485; gnomAD 0.01499 and 0.01545.
gnomAD v4.1: 30,879 of 1,501,404 alleles (2.1%); highest among the groups gnomAD compares: Non-Finnish European, 2.5%; 386 homozygotes.

Submissions (2):

GeneDx
Classification: Likely benign. Last evaluated: 2018-06-14. Review status: criteria provided, single submitter. Criteria: GeneDx Variant Classification (06012015). Collection method: clinical testing. Allele origin: germline. Affected: yes.
Comment: This variant is considered likely benign or benign based on one or more of the following criteria: it is a conservative change, it occurs at a poorly conserved position in the protein, it is predicted to be benign by multiple in silico algorithms, and/or has population frequency not consistent with disease.

Breakthrough Genomics
Classification: Likely benign. Review status: criteria provided, single submitter. Criteria: ACMG Guidelines, 2015. Collection method: not provided. Allele origin: germline. Inheritance: Autosomal recessive inheritance. Affected: yes.